The following is an entry in ClinVar:

NM_005273.4(GNB2):c.149C>T (p.Thr50Ile)

Gene: GNB2 (G protein subunit beta 2; plus strand). Cytogenetic location: 7q22.1.
Variant type: single nucleotide variant.
Coding change: c.149C>T on transcript NM_005273.4 (MANE Select); coding-DNA position 149, C replaced by T.
Protein change: p.Thr50Ile; replaces threonine 50 with isoleucine.
Molecular consequence: missense variant.
Genome position (GRCh38, 1-based): chr7:100,676,745, C>T. VCF-style: chr7-100676745-C-T. GRCh37 (hg19) VCF-style: chr7-100274368-C-T.
Other names: c.149C>T (NM_005273.3); short protein forms T50I.
Identifiers: ClinVar variation 1907457 (VCV001907457.6), dbSNP rs779612089, ClinGen allele CA4387471.
Genomic context (GRCh38, chr7:100,676,745, plus strand): 5'-ACCTCCAGATCACAGCTGGGCTGGACCCAGTGGGGAGAATCCAGATGAGGACCCGGAGGA[C>T]CCTCCGTGGGCACCTGGCAAAGATCTATGCCATGCACTGGGGGACCGACTCAAGGTGTGT-3'
Protein context (NP_005264.2, residues 40-60): VGRIQMRTRR[Thr50Ile]LRGHLAKIYA

ClinVar aggregate classification (germline): Uncertain significance. Review status: criteria provided, multiple submitters, no conflicts (2 of 4 stars). 2 submissions from 2 submitters: Uncertain significance (2). Last evaluated 2025-04-29.

Allele frequency attached by ClinVar (database versions not stated): gnomAD exomes below 0.00001; ExAC 0.00001.

Submissions (2):

GeneDx
Classification: Uncertain significance. Last evaluated: 2025-04-29. Review status: criteria provided, single submitter. Criteria: GeneDx Variant Classification Process June 2021. Collection method: clinical testing. Allele origin: germline. Affected: yes.
Comment: In silico analysis supports that this missense variant has a deleterious effect on protein structure/function; Has not been previously published as pathogenic or benign to our knowledge

Labcorp Genetics (formerly Invitae), Labcorp
Classification: Uncertain significance. Last evaluated: 2022-07-28. Review status: criteria provided, single submitter. Criteria: Invitae Variant Classification Sherloc (09022015). Collection method: clinical testing. Allele origin: germline.
Comment: In summary, the available evidence is currently insufficient to determine the role of this variant in disease. Therefore, it has been classified as a Variant of Uncertain Significance. Algorithms developed to predict the effect of missense changes on protein structure and function (SIFT, PolyPhen-2, Align-GVGD) all suggest that this variant is likely to be tolerated. This variant has not been reported in the literature in individuals affected with GNB2-related conditions. The frequency data for this variant in the population databases is considered unreliable, as metrics indicate poor data quality at this position in the gnomAD database. This sequence change replaces threonine, which is neutral and polar, with isoleucine, which is neutral and non-polar, at codon 50 of the GNB2 protein (p.Thr50Ile).